The following is an entry in ClinVar:

ClinVar aggregate classification (germline): Uncertain significance. Review status: criteria provided, multiple submitters, no conflicts (2 of 4 stars). 5 submissions from 5 submitters: Uncertain significance (5). Last evaluated 2025-09-13.

Conditions:
Cardiovascular phenotype. Identifiers: MedGen CN230736.
Cardiomyopathy (CMYO). Also called: Cardiomyopathies. Identifiers: Orphanet 167848, MedGen C0878544, MONDO:0004994, HP:0001638. Inheritance: Various modes of inheritance.
Hypertrophic cardiomyopathy. Also called: HYPERTROPHIC MYOCARDIOPATHY. Identifiers: Orphanet 217569, MedGen C0007194, MeSH D002312, MONDO:0005045, HP:0001639.

gnomAD v4.1: 1 of 1,604,308 alleles (0.000062%); highest among the groups gnomAD compares: Non-Finnish European, 0.000085%; no homozygotes.

Submissions (5):

Labcorp Genetics (formerly Invitae), Labcorp
Classification: Uncertain significance for Hypertrophic cardiomyopathy. Last evaluated: 2025-09-13. Review status: criteria provided, single submitter. Criteria: Invitae Variant Classification Sherloc (09022015). Collection method: clinical testing. Allele origin: germline.
Comment: This sequence change replaces lysine, which is basic and polar, with arginine, which is basic and polar, at codon 218 of the MYBPC3 protein (p.Lys218Arg). This variant is not present in population databases (gnomAD no frequency). This missense change has been observed in individual(s) with clinical features of hypertrophic cardiomyopathy (PMID: 29121657, 37652022). ClinVar contains an entry for this variant (Variation ID: 181142). An algorithm developed to predict the effect of missense changes on protein structure and function (PolyPhen-2) suggests that this variant is likely to be disruptive. In summary, the available evidence is currently insufficient to determine the role of this variant in disease. Therefore, it has been classified as a Variant of Uncertain Significance.

Ambry Genetics
Classification: Uncertain significance for Cardiovascular phenotype. Last evaluated: 2024-03-20. Review status: criteria provided, single submitter. Criteria: Ambry Variant Classification Scheme 2023. Collection method: clinical testing. Allele origin: germline.
Comment: The p.K218R variant (also known as c.653A>G), located in coding exon 5 of the MYBPC3 gene, results from an A to G substitution at nucleotide position 653. The lysine at codon 218 is replaced by arginine, an amino acid with highly similar properties. This variant has been detected in an individual from a hypertrophic cardiomyopathy cohort; however, details were limited (Viswanathan SK et al. PLoS One, 2017 Nov;12:e0187948). This amino acid position is highly conserved in available vertebrate species. In addition, the in silico prediction for this alteration is inconclusive. Based on the available evidence, the clinical significance of this alteration remains unclear.

Color Diagnostics, LLC DBA Color Health
Classification: Uncertain significance for Cardiomyopathy. Last evaluated: 2020-11-17. Review status: criteria provided, single submitter. Criteria: ACMG Guidelines, 2015. Collection method: clinical testing. Allele origin: germline.
Comment: This missense variant replaces lysine with arginine at codon 218 of the MYBPC3 protein. Computational prediction suggests that this variant may not impact protein structure and function (internally defined REVEL score threshold <= 0.5, PMID: 27666373). Splice site prediction tools are inconclusive regarding the impact of this variant on RNA splicing. To our knowledge, functional studies have not been reported for this variant. This variant has not been reported in individuals affected with cardiovascular disorders in the literature. This variant has not been identified in the general population by the Genome Aggregation Database (gnomAD). The available evidence is insufficient to determine the role of this variant in disease conclusively. Therefore, this variant is classified as a Variant of Uncertain Significance.

GeneDx
Classification: Uncertain significance. Last evaluated: 2020-03-02. Review status: criteria provided, single submitter. Criteria: GeneDx Variant Classification Process June 2021. Collection method: clinical testing. Allele origin: germline. Affected: yes.
Comment: Reported in association with HCM (Viswanathan et al., 2017); Not observed in large population cohorts (Lek et al., 2016); In silico analysis supports that this missense variant does not alter protein structure/function; This variant is associated with the following publications: (PMID: 29121657)

CHEO Genetics Diagnostic Laboratory, Children's Hospital of Eastern Ontario
Classification: Uncertain significance for Cardiomyopathy. Last evaluated: 2019-10-21. Review status: criteria provided, single submitter. Criteria: ACMG Guidelines, 2015. Collection method: clinical testing. Allele origin: germline.

Literature cited by the submitters: PubMed 29121657 (cited by Labcorp Genetics (formerly Invitae), Labcorp and Ambry Genetics); PubMed 37652022 (cited by Labcorp Genetics (formerly Invitae), Labcorp).

NM_000256.3(MYBPC3):c.653A>G (p.Lys218Arg)

Gene: MYBPC3 (myosin binding protein C3; minus strand). Cytogenetic location: 11p11.2.
Variant type: single nucleotide variant.
Coding change: c.653A>G on transcript NM_000256.3 (MANE Select); coding-DNA position 653, A replaced by G.
Protein change: p.Lys218Arg; replaces lysine 218 with arginine.
Molecular consequence: missense variant.
Genome position (GRCh38, 1-based): chr11:47,349,775, T>C on the plus strand (A>G on the coding strand, the complement: MYBPC3 is on the minus strand). VCF-style: chr11-47349775-T-C. GRCh37 (hg19) VCF-style: chr11-47371326-T-C.
Other names: p.K218R:AAG>AGG; c.653A>G, p.Lys218Arg (LRG_386t1); short protein forms K218R.
Identifiers: ClinVar variation 181142 (VCV000181142.17), dbSNP rs730880707, ClinGen allele CA015616.